The following is an entry in ClinVar:

NM_021224.6(ZNF462):c.5984A>G (p.Asn1995Ser)

Gene: ZNF462 (zinc finger protein 462; plus strand). Cytogenetic location: 9q31.2.
Variant type: single nucleotide variant.
Coding change: c.5984A>G on transcript NM_021224.6 (MANE Select); coding-DNA position 5984, A replaced by G.
Protein change: p.Asn1995Ser; replaces asparagine 1995 with serine.
Molecular consequence: missense variant.
Genome position (GRCh38, 1-based): chr9:106,930,661, A>G. VCF-style: chr9-106930661-A-G. GRCh37 (hg19) VCF-style: chr9-109692942-A-G.
Other names: c.5984A>G (NM_021224.5); c.3389A>G, p.Asn1130Ser (NM_001347997.2); short protein forms N1130S, N1995S.
Identifiers: ClinVar variation 782146 (VCV000782146.7), dbSNP rs74505324, ClinGen allele CA5172078.
Genomic context (GRCh38, chr9:106,930,661, plus strand): 5'-AAGTGCACCCAACGCTCCGAGCCATCTGCAATCACCTCCGAAAGCACGTCCAGTATGGCA[A>G]TGTCCCAGCTGTGTCAGCTGCTGTGAAGGTGAGAACTGGAAGGTCTGGATGAGCATTGTG-3'
Protein context (NP_067047.4, residues 1985-2005): NHLRKHVQYG[Asn1995Ser]VPAVSAAVKG

ClinVar aggregate classification (germline): Benign/Likely benign. Review status: criteria provided, multiple submitters, no conflicts (2 of 4 stars). 3 submissions from 3 submitters: Benign (1); Likely benign (1). 1 of the submissions does not count toward it. Last evaluated 2022-02-15.

Conditions:
ZNF462-related disorder. Also called: ZNF462 related disease; ZNF462-related condition.
Weiss-Kruszka syndrome. Also called: Metopic ridging-ptosis-facial dysmorphism syndrome. Identifiers: Orphanet 502430, MedGen C5568107, MONDO:0032836, OMIM 618619.

Allele frequency attached by ClinVar (database versions not stated): gnomAD exomes 0.00105 and 0.00218; ExAC 0.00271; gnomAD 0.00647 and 0.00704; 1000 Genomes Project 30x 0.00750; 1000 Genomes Project 0.00759; ESP Exome Variant Server 0.00777; TOPMed 0.00788.
gnomAD v4.1: 2,588 of 1,614,140 alleles (0.16%); highest among the groups gnomAD compares: African/African-American, 2.2%; 25 homozygotes.

Submissions (3):

Fulgent Genetics
Classification: Likely benign for Weiss-Kruszka syndrome. Last evaluated: 2022-02-15. Review status: criteria provided, single submitter. Criteria: ACMG Guidelines, 2015. Collection method: clinical testing. Allele origin: unknown.

Labcorp Genetics (formerly Invitae), Labcorp
Classification: Benign. Last evaluated: 2019-12-31. Review status: criteria provided, single submitter. Criteria: Invitae Variant Classification Sherloc (09022015). Collection method: clinical testing. Allele origin: germline.

PreventionGenetics, part of Exact Sciences
Classification: Benign for ZNF462-related condition. Last evaluated: 2021-03-29. Review status: no assertion criteria provided. Collection method: clinical testing. Allele origin: germline. Not counted in ClinVar's aggregate classification.
Comment: This variant is classified as benign based on ACMG/AMP sequence variant interpretation guidelines (Richards et al. 2015 PMID: 25741868, with internal and published modifications).